The following is an entry in ClinVar:

NM_000199.5(SGSH):c.1412G>A (p.Trp471Ter)

Gene: SGSH (N-sulfoglucosamine sulfohydrolase; minus strand). Cytogenetic location: 17q25.3.
Variant type: single nucleotide variant.
Coding change: c.1412G>A on transcript NM_000199.5 (MANE Select); coding-DNA position 1412, G replaced by A.
Protein change: p.Trp471Ter; replaces tryptophan 471 with a stop codon.
Molecular consequence: nonsense. On other transcripts: 3 prime UTR variant (2), non-coding transcript variant (1).
Genome position (GRCh38, 1-based): chr17:80,210,549, C>T on the plus strand (G>A on the coding strand, the complement: SGSH is on the minus strand). VCF-style: chr17-80210549-C-T. GRCh37 (hg19) VCF-style: chr17-78184348-C-T.
Other names: c.*499G>A (NM_001352921.3); c.*462G>A (NM_001352922.2); c.1412G>A (NM_000199.4); short protein forms W471*.
Identifiers: ClinVar variation 1075946 (VCV001075946.11), dbSNP rs2144689256, ClinGen allele CA401358492.
Genomic context (GRCh38, chr17:80,210,549, plus strand): 5'-AGCTTCTCCTCCAGGACGCCGTCGGGGGCGCACACCCAGGGGTCGTGGGTCTCCCACTGC[C>T]ACTTGGCCAGCTGGTCCCGAAGCATCTCCAGAAGCTGAGCAAAGCGCGGGTCGGTGGCCA-3'

ClinVar aggregate classification (germline): Pathogenic/Likely pathogenic. Review status: criteria provided, multiple submitters, no conflicts (2 of 4 stars). 3 submissions from 3 submitters: Pathogenic (1); Likely pathogenic (2). Last evaluated 2025-07-30.

Conditions:
Mucopolysaccharidosis, MPS-III-A (MPS3A). Also called: MPS III A; Mucopolysaccharidosis type IIIA (Sanfilippo A); HEPARAN SULFATE SULFATASE DEFICIENCY; SANFILIPPO SYNDROME A; SULFAMIDASE DEFICIENCY; Mucopolysaccharidosis, type IIIA. Identifiers: Orphanet 581, Orphanet 79269, MedGen C0086647, MONDO:0009655, OMIM 252900.

Submissions (3):

Natera, Inc.
Classification: Likely pathogenic for Mucopolysaccharidosis type IIIA. Last evaluated: 2025-07-30. Review status: criteria provided, single submitter. Criteria: Natera Variant Classification Schema (03/2026). Collection method: clinical testing. Allele origin: germline.
Comment: The c.1412G>A variant in SGSH is a nonsense variant predicted to introduce a stop codon at amino acid 471. This variant is expected to result in nonsense mediated decay, truncation, or a dysfunctional protein product. This variant is rare in the general population with a frequency below the threshold expected for the associated phenotype(s). Given the available evidence, this variant is classified as Likely Pathogenic.

Baylor Genetics
Classification: Likely pathogenic for Mucopolysaccharidosis, MPS-III-A. Last evaluated: 2024-02-02. Review status: criteria provided, single submitter. Criteria: ACMG Guidelines, 2015. Collection method: clinical testing. Allele origin: unknown.

Labcorp Genetics (formerly Invitae), Labcorp
Classification: Pathogenic for Mucopolysaccharidosis, MPS-III-A. Last evaluated: 2020-09-16. Review status: criteria provided, single submitter. Criteria: Invitae Variant Classification Sherloc (09022015). Collection method: clinical testing. Allele origin: germline.
Comment: For these reasons, this variant has been classified as Pathogenic. This variant disrupts the C-terminus of the SGSH protein. Other variant(s) that disrupt this region (p.Trp479*) have been determined to be pathogenic (PMID: 21204211). This suggests that variants that disrupt this region of the protein are likely to be causative of disease. This variant has not been reported in the literature in individuals with SGSH-related conditions. This variant is not present in population databases (ExAC no frequency). This sequence change results in a premature translational stop signal in the SGSH gene (p.Trp471*). While this is not anticipated to result in nonsense mediated decay, it is expected to disrupt the last 32 amino acids of the SGSH protein.

Literature cited by the submitters: PubMed 21204211 (cited by Labcorp Genetics (formerly Invitae), Labcorp).